The following is an entry in ClinVar:

ClinVar aggregate classification (germline): Conflicting classifications of pathogenicity. Review status: criteria provided, conflicting classifications (1 of 4 stars). 2 submissions from 2 submitters: Uncertain significance (1); Likely benign (1). Last evaluated 2025-08-06.

gnomAD v4.1: 3,451 of 1,613,366 alleles (0.21%); highest among the groups gnomAD compares: South Asian, 0.54%; 9 homozygotes.

Submissions (2):

Ambry Genetics
Classification: Uncertain significance. Last evaluated: 2025-08-06. Review status: criteria provided, single submitter. Criteria: Ambry Variant Classification Scheme 2023. Collection method: clinical testing. Allele origin: germline.

CeGaT Center for Human Genetics Tuebingen
Classification: Likely benign. Last evaluated: 2024-10-01. Review status: criteria provided, single submitter. Criteria: CeGaT Center For Human Genetics Tuebingen Variant Classification Criteria Version 2. Collection method: clinical testing. Allele origin: germline. Affected: yes. Observed: 1 variant allele.
Comment: PKHD1L1: BP4, BS2

NM_177531.6(PKHD1L1):c.5648G>T (p.Arg1883Leu)

Gene: PKHD1L1 (PKHD1 like 1; plus strand). Cytogenetic location: 8q23.1.
Variant type: single nucleotide variant.
Coding change: c.5648G>T on transcript NM_177531.6 (MANE Select); coding-DNA position 5648, G replaced by T.
Protein change: p.Arg1883Leu; replaces arginine 1883 with leucine.
Molecular consequence: missense variant.
Genome position (GRCh38, 1-based): chr8:109,445,517, G>T. VCF-style: chr8-109445517-G-T. GRCh37 (hg19) VCF-style: chr8-110457746-G-T.
Other names: c.5648G>T (NM_177531.4); short protein forms R1883L.
Identifiers: ClinVar variation 3387933 (VCV003387933.15).
Genomic context (GRCh38, chr8:109,445,517, plus strand): 5'-TCACTATTGGGGATGAACCTTGTCAAATTATTTCCATCAACCCCAATGAAGTCTACTGCC[G>T]CACTCCCGCTGGGACCACTGGAATGGTCGATGTTAAAATCTTTGTTAATACAATTGCTTA-3'
Protein context (NP_803875.2, residues 1873-1893): ISINPNEVYC[Arg1883Leu]TPAGTTGMVD